The following is an entry in ClinVar:

ClinVar aggregate classification (germline): Uncertain significance (1 of 4 stars; one submission).

Conditions:
Duchenne muscular dystrophy (DMD). Also called: MUSCULAR DYSTROPHY, PSEUDOHYPERTROPHIC PROGRESSIVE, DUCHENNE TYPE; Duchenne Muscular Dystrophy (DMD). Identifiers: Orphanet 98896, MedGen C0013264, MONDO:0010679, OMIM 310200.

gnomAD v4.1: 1 of 1,209,149 alleles (0.000083%); highest among the groups gnomAD compares: Non-Finnish European, 0.00011%; no homozygotes.

Submission:

Labcorp Genetics (formerly Invitae), Labcorp
Classification: Uncertain significance for Duchenne muscular dystrophy. Last evaluated: 2024-03-16. Review status: criteria provided, single submitter. Criteria: Invitae Variant Classification Sherloc (09022015). Collection method: clinical testing. Allele origin: germline.
Comment: This sequence change replaces glutamine, which is neutral and polar, with arginine, which is basic and polar, at codon 778 of the DMD protein (p.Gln778Arg). This variant is not present in population databases (gnomAD no frequency). This variant has not been reported in the literature in individuals affected with DMD-related conditions. Advanced modeling of protein sequence and biophysical properties (such as structural, functional, and spatial information, amino acid conservation, physicochemical variation, residue mobility, and thermodynamic stability) performed at Invitae indicates that this missense variant is not expected to disrupt DMD protein function with a negative predictive value of 95%. In summary, the available evidence is currently insufficient to determine the role of this variant in disease. Therefore, it has been classified as a Variant of Uncertain Significance.

NM_004006.3(DMD):c.2333A>G (p.Gln778Arg)

Gene: DMD (dystrophin; minus strand). Cytogenetic location: Xp21.1.
Variant type: single nucleotide variant.
Coding change: c.2333A>G on transcript NM_004006.3 (MANE Select); coding-DNA position 2333, A replaced by G.
Protein change: p.Gln778Arg; replaces glutamine 778 with arginine.
Molecular consequence: missense variant.
Genome position (GRCh38, 1-based): chrX:32,501,802, T>C on the plus strand (A>G on the coding strand, the complement: DMD is on the minus strand). VCF-style: chrX-32501802-T-C. GRCh37 (hg19) VCF-style: chrX-32519919-T-C.
Other names: c.2309A>G, p.Gln770Arg (NM_000109.4); c.2321A>G, p.Gln774Arg (NM_004009.3); c.1964A>G, p.Gln655Arg (NM_004010.3); short protein forms Q774R, Q655R, Q770R, Q778R.
Identifiers: ClinVar variation 3692756 (VCV003692756.2).